The following is an entry in ClinVar:

ClinVar aggregate classification (germline): Pathogenic. Review status: criteria provided, multiple submitters, no conflicts (2 of 4 stars). 9 submissions from 8 submitters: Pathogenic (8). 1 of the submissions does not count toward it. Last evaluated 2025-09-02.

Conditions:
Rare genetic deafness. Identifiers: Orphanet 96210, MedGen C5680250.
Retinal dystrophy. Also called: Inherited retinal dystrophy. Identifiers: Orphanet 71862, MedGen C0854723, MeSH D058499, MONDO:0019118, HP:0000556.
Usher syndrome. Also called: Usher Syndromes; Usher's syndrome. Identifiers: Orphanet 886, MedGen CN469326, MeSH D052245, MONDO:0019501. Disease mechanism: loss of function.
Retinitis pigmentosa 39 (RP39). Identifiers: Orphanet 791, MedGen C3151138, MONDO:0013436, OMIM 613809.
Usher syndrome type 2A. Also called: RETINAL DISEASE IN USHER SYNDROME TYPE IIA, MODIFIER OF; USHER SYNDROME, TYPE IIA. Identifiers: Orphanet 231178, Orphanet 886, MedGen C1848634, MONDO:0010169, OMIM 276901.

Allele frequency attached by ClinVar (database versions not stated): TOPMed below 0.00001.
gnomAD v4.1: 5 of 1,613,154 alleles (0.00031%); highest among the groups gnomAD compares: South Asian, 0.0011%; no homozygotes.

Submissions (9):

Labcorp Genetics (formerly Invitae), Labcorp
Classification: Pathogenic. Last evaluated: 2025-09-02. Review status: criteria provided, single submitter. Criteria: Invitae Variant Classification Sherloc (09022015). Collection method: clinical testing. Allele origin: germline.
Comment: This sequence change creates a premature translational stop signal (p.Arg274*) in the USH2A gene. It is expected to result in an absent or disrupted protein product. Loss-of-function variants in USH2A are known to be pathogenic (PMID: 10729113, 10909849, 20507924, 25649381). This variant is present in population databases (rs397518036, gnomAD 0.0009%). This premature translational stop signal has been observed in individual(s) with Usher syndrome (PMID: 22004887). In at least one individual the data is consistent with being in trans (on the opposite chromosome) from a pathogenic variant. ClinVar contains an entry for this variant (Variation ID: 48595). For these reasons, this variant has been classified as Pathogenic.

Natera, Inc.
Classification: Pathogenic for Usher syndrome type 2A. Last evaluated: 2025-05-26. Review status: criteria provided, single submitter. Criteria: Natera Variant Classification Schema (03/2026). Collection method: clinical testing. Allele origin: germline.
Comment: The c.820C>T variant in USH2A is a nonsense variant predicted to introduce a stop codon at amino acid 274. This variant is expected to result in nonsense mediated decay, truncation, or a dysfunctional protein product. This variant is rare in the general population with a frequency below the threshold expected for the associated phenotype(s). This variant has been observed in one or more individuals affected with the associated recessive disease, as either homozygous or compound heterozygous with a second variant (PMID: 24944099, 22004887). Given the available evidence, this variant is classified as Pathogenic.

Baylor Genetics
Classification: Pathogenic for Retinitis pigmentosa 39. Last evaluated: 2023-11-10. Review status: criteria provided, single submitter. Criteria: ACMG Guidelines, 2015. Collection method: clinical testing. Allele origin: unknown.

Genome-Nilou Lab
Classification: Pathogenic for Retinitis pigmentosa 39. Last evaluated: 2023-11-04. Review status: criteria provided, single submitter. Criteria: ACMG Guidelines, 2015. Collection method: clinical testing. Allele origin: germline. Affected: no.

Genome-Nilou Lab
Classification: Pathogenic for Usher syndrome type 2A. Last evaluated: 2023-11-04. Review status: criteria provided, single submitter. Criteria: ACMG Guidelines, 2015. Collection method: clinical testing. Allele origin: germline. Affected: no.

Dept Of Ophthalmology, Nagoya University
Classification: Pathogenic for Retinal dystrophy. Last evaluated: 2023-10-01. Review status: criteria provided, single submitter. Criteria: Submitter's publication. Collection method: research. Allele origin: germline. Affected: yes.

SN ONGC Dept of Genetics and Molecular biology Vision Research Foundation
Classification: Pathogenic for Usher syndrome. Last evaluated: 2022-12-31. Review status: criteria provided, single submitter. Criteria: ACMG Guidelines, 2015. Collection method: research. Allele origin: unknown. Affected: yes. Observed: 1 variant allele, 1 compound heterozygote.

Laboratory for Molecular Medicine, Mass General Brigham Personalized Medicine
Classification: Pathogenic for Rare genetic deafness. Last evaluated: 2012-07-26. Review status: criteria provided, single submitter. Criteria: LMM Criteria. Collection method: clinical testing. Allele origin: germline. Inheritance: Autosomal recessive inheritance. Observed: 1 variant allele.
Comment: The Arg274X variant in USH2A has been reported in 2 individuals with Usher syndr ome type II who were compound heterozygous with a second pathogenic USH2A varian t (Garcia-Garcia 2011). This nonsense variant leads to a premature termination c odon at position 274, which is predicted to lead to a truncated or absent protei n. In summary, this variant meets our criteria to be classified as pathogenic.

Counsyl
Classification: Pathogenic for Usher syndrome type 2A; Retinitis pigmentosa 39. Last evaluated: 2017-10-13. Review status: no assertion criteria provided. Collection method: clinical testing. Allele origin: unknown. Not counted in ClinVar's aggregate classification.

Literature cited by the submitters: PubMed 10729113 (cited by Labcorp Genetics (formerly Invitae), Labcorp); PubMed 10909849 (cited by Labcorp Genetics (formerly Invitae), Labcorp); PubMed 20507924 (cited by Labcorp Genetics (formerly Invitae), Labcorp); PubMed 25649381 (cited by Labcorp Genetics (formerly Invitae), Labcorp); PubMed 22004887 (cited by 4 submitters); PubMed 24944099 (cited by Natera, Inc. and Counsyl).

NM_206933.4(USH2A):c.820C>T (p.Arg274Ter)

Gene: USH2A (usherin; minus strand). Cytogenetic location: 1q41.
Variant type: single nucleotide variant.
Coding change: c.820C>T on transcript NM_206933.4 (MANE Select); coding-DNA position 820, C replaced by T.
Protein change: p.Arg274Ter; replaces arginine 274 with a stop codon.
Molecular consequence: nonsense.
Genome position (GRCh38, 1-based): chr1:216,327,619, G>A on the plus strand (C>T on the coding strand, the complement: USH2A is on the minus strand). VCF-style: chr1-216327619-G-A. GRCh37 (hg19) VCF-style: chr1-216500961-G-A.
Other names: c.820C>T, p.Arg274Ter (NM_007123.6); short protein forms R274*.
Identifiers: ClinVar variation 48595 (VCV000048595.41), dbSNP rs397518036, ClinGen allele CA262118.
Genomic context (GRCh38, chr1:216,327,619, plus strand): 5'-TTCTTGAGGTTTACAATGCAACATCTGCTTACCTGTTTGTAAGTGCCACTTGGTATAATC[G>A]AAAATCTTGCATTCTTCCGACAAACTGCTCTAAACCTGCAAATACACACATGTGCATAAT-3'